The following is an entry in ClinVar:

NM_201253.3(CRB1):c.2389T>C (p.Ser797Pro)

Gene: CRB1 (crumbs cell polarity complex component 1; plus strand). Cytogenetic location: 1q31.3.
Variant type: single nucleotide variant.
Coding change: c.2389T>C on transcript NM_201253.3 (MANE Select); coding-DNA position 2389, T replaced by C.
Protein change: p.Ser797Pro; replaces serine 797 with proline.
Molecular consequence: missense variant. On other transcripts: non-coding transcript variant (2), intron variant (1).
Genome position (GRCh38, 1-based): chr1:197,427,714, T>C. VCF-style: chr1-197427714-T-C. GRCh37 (hg19) VCF-style: chr1-197396844-T-C.
Other names: c.2053T>C, p.Ser685Pro (NM_001193640.2); c.2182T>C, p.Ser728Pro (NM_001257965.2); c.2128+5758T>C (NM_001257966.2); short protein forms S728P, S797P, S685P.
Identifiers: ClinVar variation 522783 (VCV000522783.5), dbSNP rs1355198242, ClinGen allele CA344037110.

ClinVar aggregate classification (germline): Conflicting classifications of pathogenicity. Review status: criteria provided, conflicting classifications (1 of 4 stars). 2 submissions from 2 submitters: Likely pathogenic (1); Uncertain significance (1). Last evaluated 2024-06-21.

Conditions:
Leber congenital amaurosis 8 (LCA8). Identifiers: Orphanet 65, MedGen C3151202, MONDO:0013453, OMIM 613835.

Submissions (2):

Women's Health and Genetics/Laboratory Corporation of America, LabCorp
Classification: Uncertain significance. Last evaluated: 2024-06-21. Review status: criteria provided, single submitter. Criteria: LabCorp Variant Classification Summary - May 2015. Collection method: clinical testing. Allele origin: germline.
Comment: Variant summary: CRB1 c.2389T>C (p.Ser797Pro) results in a non-conservative amino acid change located in the Laminin G domain (IPR001791) of the encoded protein sequence. Four of five in-silico tools predict a damaging effect of the variant on protein function. The variant was absent in 250476 control chromosomes. c.2389T>C has been reported in the literature in at least one homozygous individual affected with retinal dystrophy (e.g., Ravesh_2018). These data indicate that the variant may be associated with disease. To our knowledge, no experimental evidence demonstrating an impact on protein function has been reported. The following publication has been ascertained in the context of this evaluation (PMID: 30416334). ClinVar contains an entry for this variant (Variation ID: 522783). Based on the evidence outlined above, the variant was classified as VUS-possibly pathogenic.

Genomic Research Center, Shahid Beheshti University of Medical Sciences
Classification: Likely pathogenic for Leber congenital amaurosis 8. Last evaluated: 2017-12-03. Review status: criteria provided, single submitter. Criteria: ACMG Guidelines, 2015. Collection method: clinical testing. Allele origin: inherited. Affected: yes.

Literature cited by the submitters: PubMed 30416334 (cited by Women's Health and Genetics/Laboratory Corporation of America, LabCorp).